The following is an entry in ClinVar:

ClinVar aggregate classification (germline): Uncertain significance. Review status: criteria provided, multiple submitters, no conflicts (2 of 4 stars). 2 submissions from 2 submitters: Uncertain significance (2). Last evaluated 2024-08-26.

Conditions:
Atrioventricular septal defect 4 (AVSD4). Identifiers: MedGen C3280781, MONDO:0013747, OMIM 614430.

Submissions (2):

GeneDx
Classification: Uncertain significance. Last evaluated: 2024-08-26. Review status: criteria provided, single submitter. Criteria: GeneDx Variant Classification Process June 2021. Collection method: clinical testing. Allele origin: germline. Affected: yes.
Comment: Has not been previously published as pathogenic or benign to our knowledge; Not observed at significant frequency in large population cohorts (gnomAD); In silico analysis indicates that this missense variant does not alter protein structure/function

Labcorp Genetics (formerly Invitae), Labcorp
Classification: Uncertain significance for Atrioventricular septal defect 4. Last evaluated: 2022-03-18. Review status: criteria provided, single submitter. Criteria: Invitae Variant Classification Sherloc (09022015). Collection method: clinical testing. Allele origin: germline.
Comment: In summary, the available evidence is currently insufficient to determine the role of this variant in disease. Therefore, it has been classified as a Variant of Uncertain Significance. Algorithms developed to predict the effect of missense changes on protein structure and function output the following: SIFT: "Tolerated"; PolyPhen-2: "Benign"; Align-GVGD: "Class C0". The serine amino acid residue is found in multiple mammalian species, which suggests that this missense change does not adversely affect protein function. This variant has not been reported in the literature in individuals affected with GATA4-related conditions. The frequency data for this variant in the population databases is considered unreliable, as metrics indicate poor data quality at this position in the gnomAD database. This sequence change replaces proline, which is neutral and non-polar, with serine, which is neutral and polar, at codon 193 of the GATA4 protein (p.Pro193Ser).

NM_001308093.3(GATA4):c.577C>T (p.Pro193Ser)

Gene: GATA4 (GATA binding protein 4). Cytogenetic location: 8p23.1.
Variant type: single nucleotide variant.
Coding change: c.577C>T on transcript NM_001308093.3 (MANE Select); coding-DNA position 577, C replaced by T.
Protein change: p.Pro193Ser; replaces proline 193 with serine.
Molecular consequence: missense variant. On other transcripts: intron variant (3).
Genome position (GRCh38, 1-based): chr8:11,708,889, C>T. VCF-style: chr8-11708889-C-T. GRCh37 (hg19) VCF-style: chr8-11566398-C-T.
Other names: c.-3+875C>T (NM_001374274.1); c.-3+4585C>T (NM_001374273.1); c.577C>T (NM_002052.3); c.577C>T, p.Pro193Ser (NM_002052.5); c.-6+8111C>T (NM_001308094.2); short protein forms P193S.
Identifiers: ClinVar variation 1507788 (VCV001507788.7), dbSNP rs1392529691, ClinGen allele CA370309921.